The following is an entry in ClinVar:

ClinVar aggregate classification (germline): Uncertain significance (1 of 4 stars; one submission).

Conditions:
Hereditary cancer-predisposing syndrome. Also called: Neoplastic Syndromes, Hereditary; Tumor predisposition; Hereditary Cancer Syndrome; Hereditary neoplastic syndrome. Identifiers: Orphanet 140162, MedGen C0027672, MeSH D009386, MONDO:0015356.

Submission:

Ambry Genetics
Classification: Uncertain significance for Hereditary cancer-predisposing syndrome. Last evaluated: 2025-10-28. Review status: criteria provided, single submitter. Criteria: Ambry Variant Classification Scheme 2023. Collection method: clinical testing. Allele origin: germline.
Comment: The p.P2053S variant (also known as c.6157C>T), located in coding exon 15 of the APC gene, results from a C to T substitution at nucleotide position 6157. The proline at codon 2053 is replaced by serine, an amino acid with similar properties. This amino acid position is conserved. In addition, in silico predictors for this gene do not accurately predict pathogenicity. Based on the available evidence, the clinical significance of this variant remains unclear.

NM_000038.6(APC):c.6157C>T (p.Pro2053Ser)

Gene: APC (APC regulator of Wnt signaling pathway; plus strand). Cytogenetic location: 5q22.2.
Variant type: single nucleotide variant.
Coding change: c.6157C>T on transcript NM_000038.6 (MANE Select); coding-DNA position 6157, C replaced by T.
Protein change: p.Pro2053Ser; replaces proline 2053 with serine.
Molecular consequence: missense variant. On other transcripts: non-coding transcript variant (2).
Genome position (GRCh38, 1-based): chr5:112,841,751, C>T. VCF-style: chr5-112841751-C-T. GRCh37 (hg19) VCF-style: chr5-112177448-C-T.
Other names: c.5908C>T, p.Pro1970Ser (NM_001407457.1, NM_001407454.1, NM_001407455.1 and 1 more transcripts); c.5854C>T, p.Pro1952Ser (NM_001407458.1, NM_001407459.1, NM_001407460.1 and 1 more transcripts); c.5770C>T, p.Pro1924Ser (NM_001407467.1, NM_001407469.1); c.5308C>T, p.Pro1770Ser (NM_001407470.1, NM_001354906.2); c.5005C>T, p.Pro1669Ser (NM_001407471.1, NM_001407472.1); c.6157C>T, p.Pro2053Ser (NM_001127510.3, NM_001354895.2, NM_001407450.1); c.6103C>T, p.Pro2035Ser (NM_001127511.3); c.6211C>T, p.Pro2071Ser (NM_001354896.2, NM_001407447.1, NM_001407448.1 and 1 more transcripts); and 11 more; short protein forms P1924S, P2053S, P1927S, P1962S, P1970S, P2046S, P2063S, P1770S.
Identifiers: ClinVar variation 4587222 (VCV004587222.1).